The following is an entry in ClinVar:

NM_001267550.2(TTN):c.95384A>T (p.Glu31795Val)

Genes: TTN (titin; minus strand), TTN-AS1 (TTN antisense RNA 1; plus strand). Cytogenetic location: 2q31.2.
Variant type: single nucleotide variant.
Coding change: c.95384A>T on transcript NM_001267550.2 (MANE Select); coding-DNA position 95384, A replaced by T.
Protein change: p.Glu31795Val; replaces glutamic acid 31795 with valine.
Molecular consequence: missense variant.
Genome position (GRCh38, 1-based): chr2:178,545,852, T>A on the plus strand (A>T on the coding strand, the complement: TTN is on the minus strand). VCF-style: chr2-178545852-T-A. GRCh37 (hg19) VCF-style: chr2-179410579-T-A.
Other names: c.90461A>T, p.Glu30154Val (NM_001256850.1); c.68189A>T, p.Glu22730Val (NM_003319.4); c.87680A>T, p.Glu29227Val (NM_133378.4); c.68564A>T, p.Glu22855Val (NM_133432.3); c.68765A>T, p.Glu22922Val (NM_133437.4); short protein forms E22855V, E30154V, E31795V, E22730V, E22922V, E29227V.
Identifiers: ClinVar variation 1755593 (VCV001755593.2), dbSNP rs1441773765, ClinGen allele CA349462326.
Genomic context (GRCh38, chr2:178,545,852, plus strand): 5'-CAAATTATTTAAAAGTGTTAATACTTACTGAATGAGTTTCTGGCTACAATTGGCTCTGAT[T>A]CAACAGGCACACCAGGGCCATATTTGTTTACTGCCCTCACTCGGAATATGTACTCATTGT-3'
Protein context (NP_001254479.2, residues 31785-31805): VNKYGPGVPV[Glu31795Val]SEPIVARNSF

ClinVar aggregate classification (germline): Uncertain significance (1 of 4 stars; one submission).

Conditions:
Cardiovascular phenotype. Identifiers: MedGen CN230736.

Allele frequency attached by ClinVar (database versions not stated): gnomAD exomes below 0.00001.
gnomAD v4.1: 1 of 1,613,810 alleles (0.000062%); highest among the groups gnomAD compares: Admixed American, 0.0017%; no homozygotes.

Submission:

Ambry Genetics
Classification: Uncertain significance for Cardiovascular phenotype. Last evaluated: 2019-05-07. Review status: criteria provided, single submitter. Criteria: Ambry Variant Classification Scheme 2023. Collection method: clinical testing. Allele origin: germline.
Comment: The p.E22730V variant (also known as c.68189A>T), located in coding exon 170 of the TTN gene, results from an A to T substitution at nucleotide position 68189. The glutamic acid at codon 22730 is replaced by valine, an amino acid with dissimilar properties. This amino acid position is highly conserved in available vertebrate species. In addition, this alteration is predicted to be tolerated by in silico analysis. Since supporting evidence is limited at this time, the clinical significance of this alteration remains unclear.